The following is an entry in ClinVar:

ClinVar aggregate classification (germline): Uncertain significance (1 of 4 stars; one submission).

Conditions:
FHOD3-related disorder. Also called: FHOD3-related condition.

gnomAD v4.1: 4 of 1,614,086 alleles (0.00025%); highest among the groups gnomAD compares: Middle Eastern, 0.033%; no homozygotes.

Submission:

PreventionGenetics, part of Exact Sciences
Classification: Uncertain significance for FHOD3-related condition. Last evaluated: 2026-04-21. Review status: criteria provided, single submitter. Criteria: ACMG Guidelines, 2015. Collection method: clinical testing. Allele origin: germline.
Comment: The FHOD3 c.3277G>T variant is predicted to result in the amino acid substitution p.Val1093Phe. To our knowledge, this variant has not been reported in the literature. This variant has been reported in 1 heterozygous individual within the ‘other’ subpopulation in gnomAD. At this time, the clinical significance of this variant is uncertain due to the absence of conclusive functional and genetic evidence.

NM_001281740.3(FHOD3):c.3277G>T (p.Val1093Phe)

Gene: FHOD3 (formin homology 2 domain containing 3; plus strand). Cytogenetic location: 18q12.2.
Variant type: single nucleotide variant.
Coding change: c.3277G>T on transcript NM_001281740.3 (MANE Select); coding-DNA position 3277, G replaced by T.
Protein change: p.Val1093Phe; replaces valine 1093 with phenylalanine.
Molecular consequence: missense variant.
Genome position (GRCh38, 1-based): chr18:36,718,575, G>T. VCF-style: chr18-36718575-G-T. GRCh37 (hg19) VCF-style: chr18-34298538-G-T.
Other names: c.2701G>T, p.Val901Phe (NM_001281739.3); c.2752G>T, p.Val918Phe (NM_025135.5); short protein forms V918F, V901F, V1093F.
Identifiers: ClinVar variation 4982621 (VCV004982621.1).
Genomic context (GRCh38, chr18:36,718,575, plus strand): 5'-CCCAGGGGTCAGCCCACATTCACTAAGAAAAAGAAGACCATCCGTTTGTTCTGGAATGAA[G>T]TTCGGCCTTTTGACTGGCCATGTAAAAACAACCGACGCTGCAGAGAATTCCTGTGGTCAA-3'
Protein context (NP_001268669.1, residues 1083-1103): KKTIRLFWNE[Val1093Phe]RPFDWPCKNN